The following is an entry in ClinVar:

NM_024496.4(IRF2BPL):c.345GCA[6] (p.Gln124_Gln127del)

Gene: IRF2BPL (interferon regulatory factor 2 binding protein like; minus strand). Cytogenetic location: 14q24.3.
Variant type: Microsatellite.
Coding change: c.345GCA[6] on transcript NM_024496.4 (MANE Select); six copies in a row of the 3-base unit GCA starting at c.345; the reference has ten copies in a row; four copies, 12 bases deleted.
Protein change: p.Gln124_Gln127del.
Molecular consequence: inframe deletion.
Genome position (GRCh38, 1-based): chr14:77,027,419-77,027,430, TGCTGCTGCTGC deleted on the plus strand (GCAGCAGCAGCA on the coding strand, the reverse complement: IRF2BPL is on the minus strand); deleting any 12 consecutive bases within chr14:77,027,419-77,027,450 gives the same sequence; the position shown is the placement nearest the transcript's 3' end. VCF-style (leftmost placement, unchanged base first): chr14-77027418-TTGCTGCTGCTGC-T. GRCh37 (hg19) VCF-style: chr14-77493761-TTGCTGCTGCTGC-T.
Identifiers: ClinVar variation 1701240 (VCV001701240.32), dbSNP rs200317113, ClinGen allele CA7283977.

ClinVar aggregate classification (germline): Benign/Likely benign. Review status: criteria provided, multiple submitters, no conflicts (2 of 4 stars). 2 submissions from 2 submitters: Benign (1); Likely benign (1). Last evaluated 2025-08-01.

Submissions (2):

CeGaT Center for Human Genetics Tuebingen
Classification: Benign. Last evaluated: 2025-08-01. Review status: criteria provided, single submitter. Criteria: CeGaT Center For Human Genetics Tuebingen Variant Classification Criteria Version 2. Collection method: clinical testing. Allele origin: germline. Affected: yes. Observed: 9 variant alleles.
Comment: IRF2BPL: BS1, BS2

Blueprint Genetics
Classification: Likely benign. Last evaluated: 2024-11-27. Review status: criteria provided, single submitter. Criteria: ACMG Guidelines, 2015. Collection method: clinical testing. Allele origin: germline.